The following is an entry in ClinVar:

NM_001267550.2(TTN):c.54500_54509del (p.Pro18167fs)

Genes: TTN (titin; minus strand), TTN-AS1 (TTN antisense RNA 1; plus strand). Cytogenetic location: 2q31.2.
Variant type: Deletion.
Coding change: c.54500_54509del on transcript NM_001267550.2 (MANE Select); coding-DNA positions 54500 to 54509, 10 bases deleted (CTGGACCTCC; older notation c.54500_54509delCTGGACCTCC).
Protein change: p.Pro18167fs; shifts the reading frame from proline 18167.
Molecular consequence: frameshift variant.
Genome position (GRCh38, 1-based): chr2:178,604,178-178,604,187, GGAGGTCCAG deleted on the plus strand (CTGGACCTCC on the coding strand, the reverse complement: TTN is on the minus strand); deleting any 10 consecutive bases within chr2:178,604,178-178,604,188 gives the same sequence; the c. name uses the placement nearest the transcript's 3' end. VCF-style (leftmost placement, unchanged base first): chr2-178604177-TGGAGGTCCAG-T. GRCh37 (hg19) VCF-style: chr2-179468904-TGGAGGTCCAG-T.
Other names: c.49577_49586del, p.Pro16526fs (NM_001256850.1); c.27305_27314del, p.Pro9102fs (NM_003319.4); c.46796_46805del, p.Pro15599fs (NM_133378.4); c.27680_27689del, p.Pro9227fs (NM_133432.3); c.27881_27890del, p.Pro9294fs (NM_133437.4); short protein forms P18167fs, P9102fs, P9294fs, P9227fs, P15599fs, P16526fs.
Identifiers: ClinVar variation 1999781 (VCV001999781.4), dbSNP rs2470121800, ClinGen allele CA2580064904.
Genomic context (GRCh38, chr2:178,604,177, plus strand): 5'-AGGAGGAGTCCAGCTCACTAGCATTGATCCTTTGGTGCGTGCCAAAACTTTTGGTTTTCC[TGGAGGTCCAG>T]GAAGGCGATAAGGATCTTGAATGACTACTTTATCTGATTTGCACTCATCACTGATTCCAT-3'

ClinVar aggregate classification (germline): Likely pathogenic (1 of 4 stars; one submission).

Conditions:
Dilated cardiomyopathy 1G (CMD1G). Identifiers: Orphanet 154, MedGen C1858763, MONDO:0011400, OMIM 604145.
Autosomal recessive limb-girdle muscular dystrophy type 2J (LGMDR10). Also called: Limb-girdle muscular dystrophy, type 2J; MUSCULAR DYSTROPHY, LIMB-GIRDLE, AUTOSOMAL RECESSIVE 10. Identifiers: Orphanet 140922, MedGen C1837342, MONDO:0012127, OMIM 608807.

Submission:

Labcorp Genetics (formerly Invitae), Labcorp
Classification: Likely pathogenic for Dilated cardiomyopathy 1G; Autosomal recessive limb-girdle muscular dystrophy type 2J. Last evaluated: 2022-07-08. Review status: criteria provided, single submitter. Criteria: Invitae Variant Classification Sherloc (09022015). Collection method: clinical testing. Allele origin: germline.
Comment: This sequence change creates a premature translational stop signal (p.Pro18167Glnfs*15) in the TTN gene. While this is not anticipated to result in nonsense mediated decay, it is expected to create a truncated TTN protein. In summary, the currently available evidence indicates that the variant is pathogenic, but additional data are needed to prove that conclusively. Therefore, this variant has been classified as Likely Pathogenic. This variant is located in the A band of TTN (PMID: 25589632). Truncating variants in this region are significantly overrepresented in patients affected with dilated cardiomyopathy (PMID: 25589632). Truncating variants in this region have also been reported in individuals affected with autosomal recessive centronuclear myopathy (PMID: 23975875). This variant has not been reported in the literature in individuals affected with TTN-related conditions. This variant is not present in population databases (gnomAD no frequency).

Literature cited by the submitters: PubMed 25589632; PubMed 23975875.